The following is an entry in ClinVar:

ClinVar aggregate classification (germline): Pathogenic. Review status: criteria provided, multiple submitters, no conflicts (2 of 4 stars). 2 submissions from 2 submitters: Pathogenic (2). Last evaluated 2023-02-28.

Conditions:
Androgen resistance syndrome (AIS). Also called: ANDROGEN RECEPTOR DEFICIENCY; DIHYDROTESTOSTERONE RECEPTOR DEFICIENCY; Androgen insensitivity; TESTICULAR FEMINIZATION SYNDROME; Androgen insensitivity syndrome; Androgen insensitivity, complete. Identifiers: Orphanet 754, Orphanet 99429, MedGen C0039585, MONDO:0019154, OMIM 300068. Disease mechanism: loss of function.
Kennedy disease (SMAX1). Also called: SPINAL AND BULBAR MUSCULAR ATROPHY, X-LINKED 1; KENNEDY SPINAL AND BULBAR MUSCULAR ATROPHY; Spinal and Bulbar Muscular Atrophy. Identifiers: Orphanet 481, MedGen C1839259, MONDO:0010735, OMIM 313200.

Submissions (2):

Labcorp Genetics (formerly Invitae), Labcorp
Classification: Pathogenic for Kennedy disease; Androgen resistance syndrome. Last evaluated: 2023-02-28. Review status: criteria provided, single submitter. Criteria: Invitae Variant Classification Sherloc (09022015). Collection method: clinical testing. Allele origin: germline.
Comment: This sequence change creates a premature translational stop signal (p.Trp752*) in the AR gene. It is expected to result in an absent or disrupted protein product. Loss-of-function variants in AR are known to be pathogenic (PMID: 19463997). This variant is not present in population databases (gnomAD no frequency). This premature translational stop signal has been observed in individual(s) with androgen insensitivity syndrome (PMID: 10458483, 27284311). ClinVar contains an entry for this variant (Variation ID: 1298359). For these reasons, this variant has been classified as Pathogenic.

Dept. of Cytogenetics, ICMR- National Institute of Immunohaematology
Classification: Pathogenic for Androgen resistance syndrome. Review status: criteria provided, single submitter. Criteria: ACMG Guidelines, 2015. Collection method: clinical testing. Allele origin: germline. Affected: yes. Observed: 1 hemizygote.

Literature cited by the submitters: PubMed 19463997 (cited by Labcorp Genetics (formerly Invitae), Labcorp); PubMed 10458483 (cited by Labcorp Genetics (formerly Invitae), Labcorp); PubMed 27284311 (cited by Labcorp Genetics (formerly Invitae), Labcorp).

NM_000044.6(AR):c.2255G>A (p.Trp752Ter)

Gene: AR (androgen receptor; plus strand). Cytogenetic location: Xq12.
Variant type: single nucleotide variant.
Coding change: c.2255G>A on transcript NM_000044.6 (MANE Select); coding-DNA position 2255, G replaced by A.
Protein change: p.Trp752Ter; replaces tryptophan 752 with a stop codon.
Molecular consequence: nonsense.
Genome position (GRCh38, 1-based): chrX:67,717,559, G>A. VCF-style: chrX-67717559-G-A. GRCh37 (hg19) VCF-style: chrX-66937401-G-A.
Other names: c.659G>A, p.Trp220Ter (NM_001011645.3); short protein forms W220*, W752*.
Identifiers: ClinVar variation 1298359 (VCV001298359.9), dbSNP rs2147530924, ClinGen allele CA413424663.